The following is an entry in ClinVar:

NM_002335.4(LRP5):c.140A>G (p.Asp47Gly)

Gene: LRP5 (LDL receptor related protein 5; plus strand). Cytogenetic location: 11q13.2.
Variant type: single nucleotide variant.
Coding change: c.140A>G on transcript NM_002335.4 (MANE Select); coding-DNA position 140, A replaced by G.
Protein change: p.Asp47Gly; replaces aspartic acid 47 with glycine.
Molecular consequence: missense variant. On other transcripts: 5 prime UTR variant (1).
Genome position (GRCh38, 1-based): chr11:68,347,895, A>G. VCF-style: chr11-68347895-A-G. GRCh37 (hg19) VCF-style: chr11-68115363-A-G.
Other names: c.-1626A>G (NM_001291902.2); short protein forms D47G.
Identifiers: ClinVar variation 2473734 (VCV002473734.2), dbSNP rs1297714830, ClinGen allele CA381610147.
Genomic context (GRCh38, chr11:68,347,895, plus strand): 5'-TCTGCCCCACAGCCTCGCCGCTCCTGCTATTTGCCAACCGCCGGGACGTACGGCTGGTGG[A>G]CGCCGGCGGAGTCAAGCTGGAGTCCACCATCGTGGTCAGCGGCCTGGAGGATGCGGCCGC-3'
Protein context (NP_002326.2, residues 37-57): FANRRDVRLV[Asp47Gly]AGGVKLESTI

ClinVar aggregate classification (germline): Uncertain significance (1 of 4 stars; one submission).

Conditions:
Inborn genetic diseases. Identifiers: MedGen C0950123, MeSH D030342.

Submission:

Ambry Genetics
Classification: Uncertain significance for Inborn genetic diseases. Last evaluated: 2023-01-25. Review status: criteria provided, single submitter. Criteria: Ambry Variant Classification Scheme 2023. Collection method: clinical testing. Allele origin: germline.
Comment: The c.140A>G (p.D47G) alteration is located in exon 2 (coding exon 2) of the LRP5 gene. This alteration results from an A to G substitution at nucleotide position 140, causing the aspartic acid (D) at amino acid position 47 to be replaced by a glycine (G). This variant was not reported in population-based cohorts in the Genome Aggregation Database (gnomAD). This amino acid position is highly conserved in available vertebrate species. The in silico prediction for this alteration is inconclusive. Based on insufficient or conflicting evidence, the clinical significance of this alteration remains unclear.